The following is an entry in ClinVar:

NM_001369.3(DNAH5):c.9835_9845delinsTCTTCT (p.Ile3279fs)

Gene: DNAH5 (dynein axonemal heavy chain 5; minus strand). Cytogenetic location: 5p15.2.
Variant type: Indel.
Coding change: c.9835_9845delinsTCTTCT on transcript NM_001369.3 (MANE Select); coding-DNA positions 9835 to 9845, ATTGCTGAAGA replaced by TCTTCT.
Protein change: p.Ile3279fs; shifts the reading frame from isoleucine 3279.
Molecular consequence: frameshift variant.
Genome position (GRCh38, 1-based): chr5:13,769,012-13,769,022, TCTTCAGCAAT replaced by AGAAGA on the plus strand (ATTGCTGAAGA replaced by TCTTCT on the coding strand, the reverse complement: DNAH5 is on the minus strand). VCF-style: chr5-13769012-TCTTCAGCAAT-AGAAGA. GRCh37 (hg19) VCF-style: chr5-13769121-TCTTCAGCAAT-AGAAGA.
Other names: short protein forms I3279fs.
Identifiers: ClinVar variation 5010892 (VCV005010892.1).

ClinVar aggregate classification (germline): Pathogenic (1 of 4 stars; one submission).

Conditions:
Primary ciliary dyskinesia 3. Identifiers: Orphanet 244, MedGen C1837618, MONDO:0012085, OMIM 608644.

Submission:

Myriad Genetics, Inc.
Classification: Pathogenic for Primary ciliary dyskinesia 3. Last evaluated: 2024-05-14. Review status: criteria provided, single submitter. Criteria: Myriad Autosomal Dominant, Autosomal Recessive and X-Linked Classification Criteria (2023). Collection method: clinical testing. Allele origin: unknown.
Comment: NM_001369.2(DNAH5):c.9835_9845del11ins6(I3279Sfs*60) is expected to be pathogenic in the context of primary ciliary dyskinesia, DNAH5-related. This variant is predicted to lead to an abnormal or absent protein product due to the creation of a premature termination codon in DNAH5, a gene where loss-of-function variants are known to be pathogenic. Please note: this variant was assessed in the context of healthy population screening.